The following is an entry in ClinVar:

NM_004329.3(BMPR1A):c.848T>C (p.Met283Thr)

Gene: BMPR1A (bone morphogenetic protein receptor type 1A; plus strand). Cytogenetic location: 10q23.2.
Variant type: single nucleotide variant.
Coding change: c.848T>C on transcript NM_004329.3 (MANE Select); coding-DNA position 848, T replaced by C.
Protein change: p.Met283Thr; replaces methionine 283 with threonine.
Molecular consequence: missense variant. On other transcripts: non-coding transcript variant (3).
Genome position (GRCh38, 1-based): chr10:86,917,306, T>C. VCF-style: chr10-86917306-T-C. GRCh37 (hg19) VCF-style: chr10-88677063-T-C.
Other names: c.923T>C, p.Met308Thr (NM_001406559.1); c.896T>C, p.Met299Thr (NM_001406560.1); c.848T>C, p.Met283Thr (NM_001406561.1, NM_001406562.1, NM_001406563.1 and 19 more transcripts); c.842T>C, p.Met281Thr (NM_001406583.1); c.764T>C, p.Met255Thr (NM_001406584.1, NM_001406585.1, NM_001406586.1 and 2 more transcripts); c.506T>C, p.Met169Thr (NM_001406589.1); short protein forms M299T, M169T, M255T, M308T, M281T, M283T.
Identifiers: ClinVar variation 4717781 (VCV004717781.1).

ClinVar aggregate classification (germline): Uncertain significance (1 of 4 stars; one submission).

Conditions:
Juvenile polyposis syndrome (JPS). Identifiers: Orphanet 2929, MedGen C0345893, MONDO:0017380, OMIM 174900.

Submission:

Labcorp Genetics (formerly Invitae), Labcorp
Classification: Uncertain significance for Juvenile polyposis syndrome. Last evaluated: 2025-11-25. Review status: criteria provided, single submitter. Criteria: Invitae Variant Classification Sherloc (09022015). Collection method: clinical testing. Allele origin: germline.
Comment: This sequence change replaces methionine, which is neutral and non-polar, with threonine, which is neutral and polar, at codon 283 of the BMPR1A protein (p.Met283Thr). This variant is not present in population databases (gnomAD no frequency). This variant has not been reported in the literature in individuals affected with BMPR1A-related conditions. Invitae Evidence Modeling of protein sequence and biophysical properties (such as structural, functional, and spatial information, amino acid conservation, physicochemical variation, residue mobility, and thermodynamic stability) has been performed for this missense variant. However, the output from this modeling did not meet the statistical confidence thresholds required to predict the impact of this variant on BMPR1A protein function. In summary, the available evidence is currently insufficient to determine the role of this variant in disease. Therefore, it has been classified as a Variant of Uncertain Significance.